The following is an entry in ClinVar:

ClinVar aggregate classification (germline): Uncertain significance. Review status: criteria provided, multiple submitters, no conflicts (2 of 4 stars). 2 submissions from 2 submitters: Uncertain significance (2). Last evaluated 2024-04-09.

Conditions:
Inborn genetic diseases. Identifiers: MedGen C0950123, MeSH D030342.

Allele frequency attached by ClinVar (database versions not stated): gnomAD exomes below 0.00001; TOPMed below 0.00001.
gnomAD v4.1: 2 of 1,536,242 alleles (0.00013%); highest among the groups gnomAD compares: Non-Finnish European, 0.00017%; no homozygotes.

Submissions (2):

Ambry Genetics
Classification: Uncertain significance for Inborn genetic diseases. Last evaluated: 2024-04-09. Review status: criteria provided, single submitter. Criteria: Ambry Variant Classification Scheme 2023. Collection method: clinical testing. Allele origin: germline.

Labcorp Genetics (formerly Invitae), Labcorp
Classification: Uncertain significance. Last evaluated: 2022-05-30. Review status: criteria provided, single submitter. Criteria: Invitae Variant Classification Sherloc (09022015). Collection method: clinical testing. Allele origin: germline.
Comment: In summary, the available evidence is currently insufficient to determine the role of this variant in disease. Therefore, it has been classified as a Variant of Uncertain Significance. Algorithms developed to predict the effect of missense changes on protein structure and function output the following: SIFT: "Not Available"; PolyPhen-2: "Not Available"; Align-GVGD: "Not Available". The leucine amino acid residue is found in multiple mammalian species, which suggests that this missense change does not adversely affect protein function. This variant has not been reported in the literature in individuals affected with MAGEL2-related conditions. This variant is present in population databases (no rsID available, gnomAD 0.002%). This sequence change replaces methionine, which is neutral and non-polar, with leucine, which is neutral and non-polar, at codon 229 of the MAGEL2 protein (p.Met229Leu).

NM_019066.5(MAGEL2):c.685A>C (p.Met229Leu)

Gene: MAGEL2 (MAGE family member L2; minus strand). Cytogenetic location: 15q11.2.
Variant type: single nucleotide variant.
Coding change: c.685A>C on transcript NM_019066.5 (MANE Select); coding-DNA position 685, A replaced by C.
Protein change: p.Met229Leu; replaces methionine 229 with leucine.
Molecular consequence: missense variant.
Genome position (GRCh38, 1-based): chr15:23,647,058, T>G on the plus strand (A>C on the coding strand, the complement: MAGEL2 is on the minus strand). VCF-style: chr15-23647058-T-G. GRCh37 (hg19) VCF-style: chr15-23892205-T-G.
Other names: c.685A>C (NM_019066.4); short protein forms M229L.
Identifiers: ClinVar variation 2191662 (VCV002191662.5), dbSNP rs1477531872, ClinGen allele CA391336731.